The following is an entry in ClinVar:

ClinVar aggregate classification (germline): Uncertain significance (1 of 4 stars; one submission).

Conditions:
Inborn genetic diseases. Identifiers: MedGen C0950123, MeSH D030342.

Submission:

Ambry Genetics
Classification: Uncertain significance for Inborn genetic diseases. Last evaluated: 2022-04-08. Review status: criteria provided, single submitter. Criteria: Ambry Variant Classification Scheme 2023. Collection method: clinical testing. Allele origin: germline.
Comment: The p.S558F variant (also known as c.1673C>T), located in coding exon 12 of the EPAS1 gene, results from a C to T substitution at nucleotide position 1673. The serine at codon 558 is replaced by phenylalanine, an amino acid with highly dissimilar properties. This amino acid position is conserved. In addition, this alteration is predicted to be tolerated by in silico analysis. Since supporting evidence is limited at this time, the clinical significance of this alteration remains unclear.

NM_001430.5(EPAS1):c.1673C>T (p.Ser558Phe)

Gene: EPAS1 (endothelial PAS domain protein 1; plus strand). Cytogenetic location: 2p21.
Variant type: single nucleotide variant.
Coding change: c.1673C>T on transcript NM_001430.5 (MANE Select); coding-DNA position 1673, C replaced by T.
Protein change: p.Ser558Phe; replaces serine 558 with phenylalanine.
Molecular consequence: missense variant.
Genome position (GRCh38, 1-based): chr2:46,380,345, C>T. VCF-style: chr2-46380345-C-T. GRCh37 (hg19) VCF-style: chr2-46607484-C-T.
Other names: short protein forms S558F.
Identifiers: ClinVar variation 1777745 (VCV001777745.2), dbSNP rs1324765989, ClinGen allele CA346704640.